The following is an entry in ClinVar:

NM_020461.4(TUBGCP6):c.788C>T (p.Ala263Val)

Gene: TUBGCP6 (tubulin gamma complex component 6; minus strand). Cytogenetic location: 22q13.33.
Variant type: single nucleotide variant.
Coding change: c.788C>T on transcript NM_020461.4 (MANE Select); coding-DNA position 788, C replaced by T.
Protein change: p.Ala263Val; replaces alanine 263 with valine.
Molecular consequence: missense variant.
Genome position (GRCh38, 1-based): chr22:50,240,321, G>A on the plus strand (C>T on the coding strand, the complement: TUBGCP6 is on the minus strand). VCF-style: chr22-50240321-G-A. GRCh37 (hg19) VCF-style: chr22-50678750-G-A.
Other names: short protein forms A263V.
Identifiers: ClinVar variation 1510138 (VCV001510138.3), dbSNP rs745791632, ClinGen allele CA10308946.

ClinVar aggregate classification (germline): Uncertain significance (1 of 4 stars; one submission).

Allele frequency attached by ClinVar (database versions not stated): ExAC 0.00002; TOPMed 0.00002; gnomAD 0.00001; gnomAD exomes 0.00001.
gnomAD v4.1: 12 of 1,613,886 alleles (0.00074%); highest among the groups gnomAD compares: South Asian, 0.0033%; no homozygotes.

Submission:

Labcorp Genetics (formerly Invitae), Labcorp
Classification: Uncertain significance. Last evaluated: 2022-07-27. Review status: criteria provided, single submitter. Criteria: Invitae Variant Classification Sherloc (09022015). Collection method: clinical testing. Allele origin: germline.
Comment: This sequence change replaces alanine, which is neutral and non-polar, with valine, which is neutral and non-polar, at codon 263 of the TUBGCP6 protein (p.Ala263Val). This variant is present in population databases (rs745791632, gnomAD 0.008%). This variant has not been reported in the literature in individuals affected with TUBGCP6-related conditions. ClinVar contains an entry for this variant (Variation ID: 1510138). Algorithms developed to predict the effect of missense changes on protein structure and function are either unavailable or do not agree on the potential impact of this missense change (SIFT: "Deleterious"; PolyPhen-2: "Probably Damaging"; Align-GVGD: "Class C0"). In summary, the available evidence is currently insufficient to determine the role of this variant in disease. Therefore, it has been classified as a Variant of Uncertain Significance.